The following is an entry in ClinVar:

NM_020163.3(SEMA3G):c.2086G>A (p.Gly696Arg)

Gene: SEMA3G (semaphorin 3G; minus strand). Cytogenetic location: 3p21.1.
Variant type: single nucleotide variant.
Coding change: c.2086G>A on transcript NM_020163.3 (MANE Select); coding-DNA position 2086, G replaced by A.
Protein change: p.Gly696Arg; replaces glycine 696 with arginine.
Molecular consequence: missense variant.
Genome position (GRCh38, 1-based): chr3:52,435,866, C>T on the plus strand (G>A on the coding strand, the complement: SEMA3G is on the minus strand). VCF-style: chr3-52435866-C-T. GRCh37 (hg19) VCF-style: chr3-52469882-C-T.
Other names: c.2086G>A (NM_020163.2); short protein forms G696R.
Identifiers: ClinVar variation 3159748 (VCV003159748.3), dbSNP rs768949976, ClinGen allele CA2437722.

ClinVar aggregate classification (germline): Uncertain significance. Review status: criteria provided, multiple submitters, no conflicts (2 of 4 stars). 2 submissions from 2 submitters: Uncertain significance (2). Last evaluated 2026-09-14.

Conditions:
SEMA3G-related disorder. Also called: SEMA3G-related condition.

Allele frequency attached by ClinVar (database versions not stated): gnomAD 0.00001; gnomAD exomes 0.00005; TOPMed 0.00006; ExAC 0.00012.
gnomAD v4.1: 31 of 1,613,886 alleles (0.0019%); highest among the groups gnomAD compares: Admixed American, 0.052%; 1 homozygote.

Submissions (2):

PreventionGenetics, part of Exact Sciences
Classification: Uncertain significance for SEMA3G-related condition. Last evaluated: 2026-09-14. Review status: criteria provided, single submitter. Criteria: ACMG Guidelines, 2015. Collection method: clinical testing. Allele origin: germline.
Comment: The SEMA3G c.2086G>A variant is predicted to result in the amino acid substitution p.Gly696Arg. To our knowledge, this variant has not been reported in the literature. This variant is reported in 0.085% of alleles in individuals of Latino descent in gnomAD, including one homozygous individual, which may be too common to be an unreported cause of disease. Although we suspect that this variant may be benign, at this time its clinical significance is uncertain due to the absence of conclusive functional and genetic evidence.

Ambry Genetics
Classification: Uncertain significance. Last evaluated: 2023-12-20. Review status: criteria provided, single submitter. Criteria: Ambry Variant Classification Scheme 2023. Collection method: clinical testing. Allele origin: germline.